The following is an entry in ClinVar:

NM_000426.4(LAMA2):c.6106G>A (p.Ala2036Thr)

Genes: LAMA2 (laminin subunit alpha 2; plus strand), LOC123864065 (Sharpr-MPRA regulatory region 661; plus strand). Cytogenetic location: 6q22.33.
Variant type: single nucleotide variant.
Coding change: c.6106G>A on transcript NM_000426.4 (MANE Select); coding-DNA position 6106, G replaced by A.
Protein change: p.Ala2036Thr; replaces alanine 2036 with threonine.
Molecular consequence: missense variant.
Genome position (GRCh38, 1-based): chr6:129,440,836, G>A. VCF-style: chr6-129440836-G-A. GRCh37 (hg19) VCF-style: chr6-129761981-G-A.
Other names: c.6106G>A, p.Ala2036Thr (NM_001079823.2); short protein forms A2036T.
Identifiers: ClinVar variation 543867 (VCV000543867.11), dbSNP rs1554297641, ClinGen allele CA365628885.
Genomic context (GRCh38, chr6:129,440,836, plus strand): 5'-CACCCTTTGTTTTGTTTTTCATACCCTCATCTGCTGACAGATACAGCTGCTAAACTGCAA[G>A]CTGTTAAGGACAAAGCCAGACAAGCCAACGACACAGCTAAAGATGTACTGGCACAGATTA-3'
Protein context (NP_000417.3, residues 2026-2046): IPNDTAAKLQ[Ala2036Thr]VKDKARQAND

ClinVar aggregate classification (germline): Uncertain significance. Review status: criteria provided, multiple submitters, no conflicts (2 of 4 stars). 2 submissions from 2 submitters: Uncertain significance (2). Last evaluated 2024-01-15.

Conditions:
LAMA2-related muscular dystrophy (LAMA2-RD). Also called: Laminin alpha 2-related dystrophy. Identifiers: MedGen C5679788, MONDO:0100228.

gnomAD v4.1: 1 of 1,613,868 alleles (0.000062%); highest among the groups gnomAD compares: South Asian, 0.0011%; no homozygotes.

Submissions (2):

Labcorp Genetics (formerly Invitae), Labcorp
Classification: Uncertain significance for LAMA2-related muscular dystrophy. Last evaluated: 2024-01-15. Review status: criteria provided, single submitter. Criteria: Invitae Variant Classification Sherloc (09022015). Collection method: clinical testing. Allele origin: germline.
Comment: This sequence change replaces alanine, which is neutral and non-polar, with threonine, which is neutral and polar, at codon 2036 of the LAMA2 protein (p.Ala2036Thr). This variant is not present in population databases (gnomAD no frequency). This variant has not been reported in the literature in individuals affected with LAMA2-related conditions. ClinVar contains an entry for this variant (Variation ID: 543867). Advanced modeling of protein sequence and biophysical properties (such as structural, functional, and spatial information, amino acid conservation, physicochemical variation, residue mobility, and thermodynamic stability) performed at Invitae indicates that this missense variant is not expected to disrupt LAMA2 protein function with a negative predictive value of 95%. In summary, the available evidence is currently insufficient to determine the role of this variant in disease. Therefore, it has been classified as a Variant of Uncertain Significance.

Revvity Omics, Revvity
Classification: Uncertain significance. Last evaluated: 2019-02-14. Review status: criteria provided, single submitter. Criteria: ACMG Guidelines, 2015. Collection method: clinical testing. Allele origin: germline.